The following is an entry in ClinVar:

ClinVar aggregate classification (germline): Uncertain significance. Review status: criteria provided, multiple submitters, no conflicts (2 of 4 stars). 2 submissions from 2 submitters: Uncertain significance (2). Last evaluated 2024-03-14.

Conditions:
Hereditary cancer-predisposing syndrome. Also called: Neoplastic Syndromes, Hereditary; Tumor predisposition; Hereditary neoplastic syndrome; Hereditary Cancer Syndrome. Identifiers: Orphanet 140162, MedGen C0027672, MeSH D009386, MONDO:0015356.

Submissions (2):

Ambry Genetics
Classification: Uncertain significance for Hereditary cancer-predisposing syndrome. Last evaluated: 2024-03-14. Review status: criteria provided, single submitter. Criteria: Ambry Variant Classification Scheme 2023. Collection method: clinical testing. Allele origin: germline.
Comment: The p.F751L variant (also known as c.2253T>A), located in coding exon 13 of the PMS2 gene, results from a T to A substitution at nucleotide position 2253. The phenylalanine at codon 751 is replaced by leucine, an amino acid with highly similar properties. This amino acid position is conserved. In addition, this alteration is predicted to be deleterious by in silico analysis. Based on the available evidence, the clinical significance of this alteration remains unclear.

GeneDx
Classification: Uncertain significance. Last evaluated: 2023-06-14. Review status: criteria provided, single submitter. Criteria: GeneDx Variant Classification Process June 2021. Collection method: clinical testing. Allele origin: germline. Affected: yes.
Comment: Not observed at significant frequency in large population cohorts (gnomAD); In silico analysis supports that this missense variant has a deleterious effect on protein structure/function; Has not been previously published as pathogenic or benign to our knowledge; This variant is associated with the following publications: (PMID: Fukui2011[Chapter])

NM_000535.7(PMS2):c.2253T>A (p.Phe751Leu)

Gene: PMS2 (PMS1 homolog 2, mismatch repair system component; minus strand). Cytogenetic location: 7p22.1.
Variant type: single nucleotide variant.
Coding change: c.2253T>A on transcript NM_000535.7 (MANE Select); coding-DNA position 2253, T replaced by A.
Protein change: p.Phe751Leu; replaces phenylalanine 751 with leucine.
Molecular consequence: missense variant. On other transcripts: non-coding transcript variant (1), intron variant (2).
Genome position (GRCh38, 1-based): chr7:5,978,618, A>T on the plus strand (T>A on the coding strand, the complement: PMS2 is on the minus strand). VCF-style: chr7-5978618-A-T. GRCh37 (hg19) VCF-style: chr7-6018249-A-T.
Other names: c.1848T>A, p.Phe616Leu (NM_001018040.1, NM_001322003.2, NM_001322004.2 and 15 more transcripts); c.2097T>A, p.Phe699Leu (NM_001322006.2, NM_001406870.1); c.1935T>A, p.Phe645Leu (NM_001322007.2, NM_001322008.2, NM_001406876.1 and 1 more transcripts); c.1692T>A, p.Phe564Leu (NM_001322010.2, NM_001406906.1, NM_001406907.1); c.1320T>A, p.Phe440Leu (NM_001322011.2, NM_001322012.2); c.1680T>A, p.Phe560Leu (NM_001322013.2, NM_001406908.1, NM_001406909.1); c.2253T>A, p.Phe751Leu (NM_001322014.2); c.1944T>A, p.Phe648Leu (NM_001322015.2, NM_001406875.1, NM_001406877.1 and 5 more transcripts); and 16 more; short protein forms F350L, F440L, F494L, F560L, F564L, F580L, F589L, F593L.
Identifiers: ClinVar variation 3232008 (VCV003232008.2), dbSNP rs1805325, ClinGen allele CA366736541.